The following is an entry in ClinVar:

ClinVar aggregate classification (germline): Likely benign. Review status: criteria provided, multiple submitters, no conflicts (2 of 4 stars). 6 submissions from 4 submitters: Likely benign (6). Last evaluated 2025-06-20.

Conditions:
Dilated cardiomyopathy 1D. Identifiers: Orphanet 154, Orphanet 54260, MedGen C1832243, MONDO:0011095, OMIM 601494.
Hypertrophic cardiomyopathy 2. Also called: TNNT2-Related Familial Hypertrophic Cardiomyopathy. Identifiers: MedGen C1861864, MONDO:0007266, OMIM 115195.
Cardiovascular phenotype. Identifiers: MedGen CN230736.
Cardiomyopathy, familial restrictive, 3. Identifiers: Orphanet 75249, MedGen C2676271, MONDO:0012900, OMIM 612422.

Allele frequency attached by ClinVar (database versions not stated): ExAC 0.00001; gnomAD 0.00001; gnomAD exomes 0.00001; TOPMed 0.00002.
gnomAD v4.1: 4 of 1,614,036 alleles (0.00025%); highest among the groups gnomAD compares: African/African-American, 0.004%; no homozygotes.

Submissions (6):

Labcorp Genetics (formerly Invitae), Labcorp
Classification: Likely benign for Cardiomyopathy, familial restrictive, 3; Hypertrophic cardiomyopathy 2; Dilated cardiomyopathy 1D. Last evaluated: 2025-06-20. Review status: criteria provided, single submitter. Criteria: Invitae Variant Classification Sherloc (09022015). Collection method: clinical testing. Allele origin: germline.

Genome-Nilou Lab
Classification: Likely benign for Dilated cardiomyopathy 1D. Last evaluated: 2023-11-04. Review status: criteria provided, single submitter. Criteria: ACMG Guidelines, 2015. Collection method: clinical testing. Allele origin: germline. Affected: no.

Genome-Nilou Lab
Classification: Likely benign for Cardiomyopathy, familial restrictive, 3. Last evaluated: 2023-11-04. Review status: criteria provided, single submitter. Criteria: ACMG Guidelines, 2015. Collection method: clinical testing. Allele origin: germline. Affected: no.

Genome-Nilou Lab
Classification: Likely benign for Hypertrophic cardiomyopathy 2. Last evaluated: 2023-11-04. Review status: criteria provided, single submitter. Criteria: ACMG Guidelines, 2015. Collection method: clinical testing. Allele origin: germline. Affected: no.

Ambry Genetics
Classification: Likely benign for Cardiovascular phenotype. Last evaluated: 2017-08-23. Review status: criteria provided, single submitter. Criteria: Ambry Variant Classification Scheme 2023. Collection method: clinical testing. Allele origin: germline.

GeneDx
Classification: Likely benign. Last evaluated: 2017-06-13. Review status: criteria provided, single submitter. Criteria: GeneDx Variant Classification (06012015). Collection method: clinical testing. Allele origin: germline. Affected: yes.
Comment: This variant is considered likely benign or benign based on one or more of the following criteria: it is a conservative change, it occurs at a poorly conserved position in the protein, it is predicted to be benign by multiple in silico algorithms, and/or has population frequency not consistent with disease.

NM_001276345.2(TNNT2):c.21G>T (p.Val7=)

Gene: TNNT2 (troponin T2, cardiac type; minus strand). Cytogenetic location: 1q32.1.
Variant type: single nucleotide variant.
Coding change: c.21G>T on transcript NM_001276345.2 (MANE Select); coding-DNA position 21, G replaced by T.
Protein change: p.Val7=; no amino-acid change (valine 7 retained).
Molecular consequence: synonymous variant.
Genome position (GRCh38, 1-based): chr1:201,373,234, C>A on the plus strand (G>T on the coding strand, the complement: TNNT2 is on the minus strand). VCF-style: chr1-201373234-C-A. GRCh37 (hg19) VCF-style: chr1-201342362-C-A.
Other names: c.21G>T, p.Val7= (NM_000364.4, NM_001001430.3, NM_001001431.3 and 3 more transcripts).
Identifiers: ClinVar variation 517982 (VCV000517982.15), dbSNP rs777128825, ClinGen allele CA026629.